The following is an entry in ClinVar:

ClinVar aggregate classification (germline): Benign (1 of 4 stars; one submission).

Conditions:
X-linked lymphoproliferative disease due to XIAP deficiency. Also called: XIAP DEFICIENCY; XIAP-Related Lymphoproliferative Disease, X-Linked. Identifiers: Orphanet 2442, Orphanet 538934, MedGen C1845076, MONDO:0010385, OMIM 300635.

Allele frequency attached by ClinVar (database versions not stated): ExAC 0.00073; gnomAD exomes 0.00186 and 0.00301; gnomAD 0.01424 and 0.01491; 1000 Genomes Project 0.01430; 1000 Genomes Project 30x 0.01478; TOPMed 0.01564.

Submission:

Illumina Laboratory Services, Illumina
Classification: Benign for X-linked lymphoproliferative disease due to XIAP deficiency. Last evaluated: 2018-01-13. Review status: criteria provided, single submitter. Criteria: ICSL Variant Classification Criteria 13 December 2019. Collection method: clinical testing. Allele origin: germline.
Comment: This variant was observed in the ICSL laboratory as part of a predisposition screen in an ostensibly healthy population. It had not been previously curated by ICSL or reported in the Human Gene Mutation Database (HGMD: prior to June 1st, 2018), and was therefore a candidate for classification through an automated scoring system. Utilizing variant allele frequency, disease prevalence and penetrance estimates, and inheritance mode, an automated score was calculated to assess if this variant is too frequent to cause the disease. Based on the score and internal cut-off values, a variant classified as benign is not then subjected to further curation. The score for this variant resulted in a classification of benign for this disease.

NM_001167.4(XIAP):c.*5368C>T

Gene: XIAP (X-linked inhibitor of apoptosis; plus strand). Cytogenetic location: Xq25.
Variant type: single nucleotide variant.
Coding change: c.*5368C>T on transcript NM_001167.4 (MANE Select); 5368 bases downstream of the stop codon, C replaced by T.
Molecular consequence: 3 prime UTR variant. On other transcripts: non-coding transcript variant (2).
Genome position (GRCh38, 1-based): chrX:123,912,549, C>T. VCF-style: chrX-123912549-C-T. GRCh37 (hg19) VCF-style: chrX-123046399-C-T.
Other names: c.*5368C>T (NM_001204401.2, NM_001378590.1, NM_001378591.1 and 1 more transcripts).
Identifiers: ClinVar variation 367850 (VCV000367850.5), dbSNP rs138392322, ClinGen allele CA10508419.
Genomic context (GRCh38, chrX:123,912,549, plus strand): 5'-GCTGGGCATGGTGGTGTGTGCCTGTAGTCCTGGCTACTCCGGAGCCTGAGGTGGGAGGAT[C>T]GCTTGAGTCTGGGAGGCAGAGGCTGCATTGAGCTATGATCATGGCACTGCATTCCAGCCT-3'